The following is an entry in ClinVar:

ClinVar aggregate classification (germline): Uncertain significance (1 of 4 stars; one submission).

gnomAD v4.1: 1 of 1,612,320 alleles (0.000062%); highest among the groups gnomAD compares: Non-Finnish European, 0.000085%; no homozygotes.

Submission:

GeneDx
Classification: Uncertain significance. Last evaluated: 2022-11-16. Review status: criteria provided, single submitter. Criteria: GeneDx Variant Classification Process June 2021. Collection method: clinical testing. Allele origin: germline. Affected: yes.
Comment: Not observed at significant frequency in large population cohorts (gnomAD); Missense variants in this gene are often considered pathogenic (HGMD); In silico analysis supports that this missense variant does not alter protein structure/function; This substitution is predicted to be within the C-terminal cytoplasmic domain; Has not been previously published as pathogenic or benign to our knowledge

NM_172107.4(KCNQ2):c.2506G>C (p.Glu836Gln)

Gene: KCNQ2 (potassium voltage-gated channel subfamily Q member 2; minus strand). Cytogenetic location: 20q13.33.
Variant type: single nucleotide variant.
Coding change: c.2506G>C on transcript NM_172107.4 (MANE Select); coding-DNA position 2506, G replaced by C.
Protein change: p.Glu836Gln; replaces glutamic acid 836 with glutamine.
Molecular consequence: missense variant.
Genome position (GRCh38, 1-based): chr20:63,406,757, C>G on the plus strand (G>C on the coding strand, the complement: KCNQ2 is on the minus strand). VCF-style: chr20-63406757-C-G. GRCh37 (hg19) VCF-style: chr20-62038110-C-G.
Other names: c.2560G>C, p.Glu854Gln (NM_001382235.1); c.2422G>C, p.Glu808Gln (NM_004518.6); c.2452G>C, p.Glu818Gln (NM_172106.3); c.2413G>C, p.Glu805Gln (NM_172108.5); short protein forms E805Q, E808Q, E818Q, E836Q, E854Q.
Identifiers: ClinVar variation 2502645 (VCV002502645.1), dbSNP rs2516092320, ClinGen allele CA409636784.
Genomic context (GRCh38, chr20:63,406,757, plus strand): 5'-CCGAGCGTGGCGGGGGCCCGCACGGGGTACAGAGGTCGGAGTCGGTGTCTGACTCTCCCT[C>G]CGCAATGTAGGGCCTGACTTTGGCACAAGGCGCCACGGCCGCGTAGCAGCTGTTGAGAGC-3'
Protein context (NP_742105.1, residues 826-846): PCAKVRPYIA[Glu836Gln]GESDTDSDLC